The following is an entry in ClinVar:

ClinVar aggregate classification (germline): Uncertain significance (1 of 4 stars; one submission).

Conditions:
Hereditary cancer-predisposing syndrome. Also called: Neoplastic Syndromes, Hereditary; Tumor predisposition; Hereditary neoplastic syndrome; Hereditary Cancer Syndrome. Identifiers: Orphanet 140162, MedGen C0027672, MeSH D009386, MONDO:0015356.

Submission:

Ambry Genetics
Classification: Uncertain significance for Hereditary cancer-predisposing syndrome. Last evaluated: 2022-12-25. Review status: criteria provided, single submitter. Criteria: Ambry Variant Classification Scheme 2023. Collection method: clinical testing. Allele origin: germline.
Comment: The p.A1746T variant (also known as c.5236G>A), located in coding exon 23 of the DICER1 gene, results from a G to A substitution at nucleotide position 5236. The alanine at codon 1746 is replaced by threonine, an amino acid with similar properties. This amino acid position is conserved. In addition, this alteration is predicted to be deleterious by in silico analysis. Since supporting evidence is limited at this time, the clinical significance of this alteration remains unclear.

NM_177438.3(DICER1):c.5236G>A (p.Ala1746Thr)

Gene: DICER1 (dicer 1, ribonuclease III; minus strand). Cytogenetic location: 14q32.13.
Variant type: single nucleotide variant.
Coding change: c.5236G>A on transcript NM_177438.3 (MANE Select); coding-DNA position 5236, G replaced by A.
Protein change: p.Ala1746Thr; replaces alanine 1746 with threonine.
Molecular consequence: missense variant. On other transcripts: non-coding transcript variant (6).
Genome position (GRCh38, 1-based): chr14:95,094,016, C>T on the plus strand (G>A on the coding strand, the complement: DICER1 is on the minus strand). VCF-style: chr14-95094016-C-T. GRCh37 (hg19) VCF-style: chr14-95560353-C-T.
Other names: c.5236G>A, p.Ala1746Thr (NM_001195573.1, NM_001271282.3, NM_001291628.2 and 9 more transcripts); c.4954G>A, p.Ala1652Thr (NM_001395686.1); c.4831G>A, p.Ala1611Thr (NM_001395687.1, NM_001395688.1, NM_001395689.1 and 1 more transcripts); c.4669G>A, p.Ala1557Thr (NM_001395691.1); c.3553G>A, p.Ala1185Thr (NM_001395697.1); short protein forms A1652T, A1746T, A1557T, A1185T, A1611T.
Identifiers: ClinVar variation 2451704 (VCV002451704.2), dbSNP rs1595330274, ClinGen allele CA390865152.